The following is an entry in ClinVar:

NM_001378454.1(ALMS1):c.8650del (p.Gln2884fs)

Gene: ALMS1 (ALMS1 centrosome and basal body associated protein; plus strand). Cytogenetic location: 2p13.1.
Variant type: Deletion.
Coding change: c.8650del on transcript NM_001378454.1 (MANE Select); coding-DNA position 8650, one base deleted (C; older notation c.8650delC).
Protein change: p.Gln2884fs; shifts the reading frame from glutamine 2884.
Molecular consequence: frameshift variant.
Genome position (GRCh38, 1-based): chr2:73,490,609, C deleted. VCF-style (leftmost placement, unchanged base first): chr2-73490608-AC-A. GRCh37 (hg19) VCF-style: chr2-73717735-AC-A.
Other names: c.8653del, p.Gln2885fs (NM_015120.4); c.8653delC (NM_015120.4); short protein forms Q2884fs, Q2885fs.
Identifiers: ClinVar variation 1764192 (VCV001764192.2), dbSNP rs2466216889, ClinGen allele CA2580068267.
Genomic context (GRCh38, chr2:73,490,608, plus strand): 5'-AGGAGTAAAAGAGAAGAATGTAACTATAACTCCAGATCTTCCTTCTTGCATTTTTCTTGA[AC>A]AACGAGAGCTCTTTGAACAAAGCAAAGCCCCACGTGCAGATGACCATGTGAGGAAACACC-3'

ClinVar aggregate classification (germline): Pathogenic (1 of 4 stars; one submission).

Conditions:
Cardiovascular phenotype. Identifiers: MedGen CN230736.

Submission:

Ambry Genetics
Classification: Pathogenic for Cardiovascular phenotype. Last evaluated: 2019-12-09. Review status: criteria provided, single submitter. Criteria: Ambry Variant Classification Scheme 2023. Collection method: clinical testing. Allele origin: germline.
Comment: The c.8653delC pathogenic mutation, located in coding exon 10 of the ALMS1 gene, results from a deletion of one nucleotide at nucleotide position 8653, causing a translational frameshift with a predicted alternate stop codon (p.Q2885Nfs*17). This alteration is expected to result in loss of function by premature protein truncation or nonsense-mediated mRNA decay. As such, this alteration is interpreted as a disease-causing mutation.